The following is an entry in ClinVar:

NC_000010.10:g.(?_50818787)_(50873092_?)del

Genes: CHAT (choline O-acetyltransferase; plus strand), SLC18A3 (solute carrier family 18 member A3; plus strand). Cytogenetic location: 10q11.23.
Variant type: Deletion.
Identifiers: ClinVar variation 1374282 (VCV001374282.36).

ClinVar aggregate classification (germline): Uncertain significance (1 of 4 stars; one submission).

Submission:

Labcorp Genetics (formerly Invitae), Labcorp
Classification: Uncertain significance. Last evaluated: 2021-07-27. Review status: criteria provided, single submitter. Criteria: Invitae Variant Classification Sherloc (09022015). Collection method: clinical testing. Allele origin: germline.
Comment: A gross deletion of the genomic region encompassing the full coding sequence of the SLC18A3 gene has been identified. The current clinical and genetic evidence is not sufficient to establish whether loss-of-function variants in SLC18A3 cause disease. The boundaries of this event are unknown as they extend beyond the assayed region for this gene and therefore may encompass additional genes. Isolated whole-gene deletions of SLC18A3 have not been reported in the literature. However, larger copy number events that include this gene have been reported (PMID: 27590285, 29130637). In summary, the available evidence is currently insufficient to determine the role of this variant in disease. Therefore, it has been classified as a Variant of Uncertain Significance.

Literature cited by the submitters: PubMed 27590285; PubMed 29130637.